The following is an entry in ClinVar:

NM_001282225.2(ADA2):c.397C>G (p.His133Asp)

Gene: ADA2 (adenosine deaminase 2; minus strand). Cytogenetic location: 22q11.1.
Variant type: single nucleotide variant.
Coding change: c.397C>G on transcript NM_001282225.2 (MANE Select); coding-DNA position 397, C replaced by G.
Protein change: p.His133Asp; replaces histidine 133 with aspartic acid.
Molecular consequence: missense variant.
Genome position (GRCh38, 1-based): chr22:17,207,216, G>C on the plus strand (C>G on the coding strand, the complement: ADA2 is on the minus strand). VCF-style: chr22-17207216-G-C. GRCh37 (hg19) VCF-style: chr22-17688106-G-C.
Other names: c.397C>G, p.His133Asp (NM_001282226.2); c.271C>G, p.His91Asp (NM_001282227.2, NM_001282228.2); c.37C>G, p.His13Asp (NM_001282229.2); short protein forms H91D, H133D, H13D.
Identifiers: ClinVar variation 944828 (VCV000944828.10), dbSNP rs2062363420, ClinGen allele CA410229797.

ClinVar aggregate classification (germline): Uncertain significance (1 of 4 stars; one submission).

Conditions:
Deficiency of adenosine deaminase 2. Also called: Polyarteritis nodosa, childhoood-onset; VASCULITIS, AUTOINFLAMMATION, IMMUNODEFICIENCY, AND HEMATOLOGIC DEFECTS SYNDROME; Adenosine Deaminase 2 Deficiency. Identifiers: Orphanet 404553, MedGen C3887654, MONDO:0014306, OMIM 615688, MONDO:0100317.

Allele frequency attached by ClinVar (database versions not stated): TOPMed below 0.00001.

Submission:

Labcorp Genetics (formerly Invitae), Labcorp
Classification: Uncertain significance for Deficiency of adenosine deaminase 2. Last evaluated: 2023-11-20. Review status: criteria provided, single submitter. Criteria: Invitae Variant Classification Sherloc (09022015). Collection method: clinical testing. Allele origin: germline.
Comment: This sequence change replaces histidine, which is basic and polar, with aspartic acid, which is acidic and polar, at codon 133 of the ADA2 protein (p.His133Asp). This variant is not present in population databases (gnomAD no frequency). This variant has not been reported in the literature in individuals affected with ADA2-related conditions. ClinVar contains an entry for this variant (Variation ID: 944828). Advanced modeling of protein sequence and biophysical properties (such as structural, functional, and spatial information, amino acid conservation, physicochemical variation, residue mobility, and thermodynamic stability) performed at Invitae indicates that this missense variant is not expected to disrupt ADA2 protein function with a negative predictive value of 80%. In summary, the available evidence is currently insufficient to determine the role of this variant in disease. Therefore, it has been classified as a Variant of Uncertain Significance.